The following is an entry in ClinVar:

ClinVar aggregate classification (germline): Likely pathogenic (1 of 4 stars; one submission).

Conditions:
Autosomal recessive limb-girdle muscular dystrophy type 2B (LGMDR2). Also called: MUSCULAR DYSTROPHY, LIMB-GIRDLE, TYPE 3; MUSCULAR DYSTROPHY, LIMB-GIRDLE, AUTOSOMAL RECESSIVE 2; Limb-Girdle Muscular Dystrophy Type 2B (LGMD2B); Limb-girdle muscular dystrophy, type 2B. Identifiers: Orphanet 268, MedGen C1850889, MONDO:0009676, OMIM 253601.

Submission:

Natera, Inc.
Classification: Likely pathogenic for Limb-girdle muscular dystrophy type 2B. Last evaluated: 2024-12-17. Review status: criteria provided, single submitter. Criteria: Natera Variant Classification Schema (03/2026). Collection method: clinical testing. Allele origin: germline.
Comment: The c.4021del variant in DYSF is a frameshift variant predicted to shift the reading frame beginning at codon 1341 and leads to a stop codon 4 codons downstream. This variant is expected to result in nonsense mediated decay, truncation, or a dysfunctional protein product. This variant is rare in the general population with a frequency below the threshold expected for the associated phenotype(s). Given the available evidence, this variant is classified as Likely Pathogenic.

NM_001130987.2(DYSF):c.4075del (p.Leu1359fs)

Gene: DYSF (dysferlin; plus strand). Cytogenetic location: 2p13.2.
Variant type: Deletion.
Coding change: c.4075del on transcript NM_001130987.2 (MANE Select); coding-DNA position 4075, one base deleted (C; older notation c.4075delC).
Protein change: p.Leu1359fs; shifts the reading frame from leucine 1359.
Molecular consequence: frameshift variant.
Genome position (GRCh38, 1-based): chr2:71,611,480, C deleted; the last of 2 consecutive C bases (chr2:71,611,479-71,611,480); deleting either gives the same sequence. VCF-style (leftmost placement, unchanged base first): chr2-71611478-GC-G. GRCh37 (hg19) VCF-style: chr2-71838608-GC-G.
Other names: c.4024del, p.Leu1342fs (NM_001130455.2, NM_001130983.2); c.3979del, p.Leu1327fs (NM_001130976.2, NM_001130977.2); c.4021del, p.Leu1341fs (NM_001130978.2, NM_003494.4); c.4114del, p.Leu1372fs (NM_001130979.2); c.4072del, p.Leu1358fs (NM_001130980.2, NM_001130981.2); c.4117del, p.Leu1373fs (NM_001130982.2); c.3982del, p.Leu1328fs (NM_001130984.2, NM_001130986.2); c.4075del, p.Leu1359fs (NM_001130985.2); short protein forms L1327fs, L1328fs, L1341fs, L1342fs, L1358fs, L1359fs, L1372fs, L1373fs.
Identifiers: ClinVar variation 4815143 (VCV004815143.1).